The following is an entry in ClinVar:

NM_007294.4(BRCA1):c.5163G>A (p.Gln1721=)

Gene: BRCA1 (BRCA1 DNA repair associated; minus strand). Cytogenetic location: 17q21.31.
Variant type: single nucleotide variant.
Coding change: c.5163G>A on transcript NM_007294.4 (MANE Select); coding-DNA position 5163, G replaced by A.
Protein change: p.Gln1721=; no amino-acid change (glutamine 1721 retained).
Molecular consequence: synonymous variant.
Genome position (GRCh38, 1-based): chr17:43,063,363, C>T on the plus strand (G>A on the coding strand, the complement: BRCA1 is on the minus strand). VCF-style: chr17-43063363-C-T. GRCh37 (hg19) VCF-style: chr17-41215380-C-T.
Other names: c.4950G>A, p.Gln1650= (NM_001407571.1, NM_001407894.1, NM_001407895.1 and 12 more transcripts); c.5229G>A, p.Gln1743= (NM_001407581.1, NM_001407582.1); c.5226G>A, p.Gln1742= (NM_001407583.1, NM_001407585.1, NM_001407587.1 and 1 more transcripts); c.5223G>A, p.Gln1741= (NM_001407590.1, NM_001407591.1); c.5163G>A, p.Gln1721= (NM_001407593.1, NM_001407594.1, NM_001407596.1 and 7 more transcripts); c.5160G>A, p.Gln1720= (NM_001407610.1, NM_001407611.1, NM_001407612.1 and 17 more transcripts); c.5157G>A, p.Gln1719= (NM_001407627.1, NM_001407628.1, NM_001407629.1 and 14 more transcripts); c.5154G>A, p.Gln1718= (NM_001407644.1, NM_001407645.1); and 72 more.
Identifiers: ClinVar variation 482939 (VCV000482939.20), dbSNP rs1403122031, ClinGen allele CA500146055.

ClinVar aggregate classification (germline): Likely benign. Review status: criteria provided, multiple submitters, no conflicts (2 of 4 stars). 4 submissions from 4 submitters: Likely benign (4). Last evaluated 2025-12-19.

Conditions:
Hereditary breast ovarian cancer syndrome. Also called: Breast and ovarian cancer; Hereditary breast and/or ovarian cancer syndrome; BRCA1- and BRCA2-Associated Hereditary Breast and Ovarian Cancer; Hereditary breast and ovarian cancer syndrome; Hereditary breast and ovarian cancer syndrome (HBOC); Hereditary breast and ovarian cancer. Identifiers: Orphanet 145, MedGen C0677776, MeSH D061325, MONDO:0003582. Disease mechanism: loss of function.
Breast-ovarian cancer, familial, susceptibility to, 1 (BROVCA1). Also called: BRCA1 Hereditary Breast and Ovarian Cancer; OVARIAN CANCER, SUSCEPTIBILITY TO. Identifiers: Orphanet 145, MedGen C2676676, MONDO:0011450, OMIM 604370. Disease mechanism: loss of function.
Hereditary cancer-predisposing syndrome. Also called: Tumor predisposition; Hereditary Cancer Syndrome; Hereditary neoplastic syndrome; Neoplastic Syndromes, Hereditary. Identifiers: Orphanet 140162, MedGen C0027672, MeSH D009386, MONDO:0015356.

Allele frequency attached by ClinVar (database versions not stated): gnomAD exomes below 0.00001 and 0.00001.
gnomAD v4.1: 16 of 1,611,746 alleles (0.00099%); highest among the groups gnomAD compares: Non-Finnish European, 0.0014%; no homozygotes.

Submissions (5):

Labcorp Genetics (formerly Invitae), Labcorp
Classification: Likely benign for Hereditary breast ovarian cancer syndrome. Last evaluated: 2025-12-19. Review status: criteria provided, single submitter. Criteria: Invitae Variant Classification Sherloc (09022015). Collection method: clinical testing. Allele origin: germline.

All of Us Research Program, National Institutes of Health
Classification: Likely benign for Breast-ovarian cancer, familial, susceptibility to, 1. Last evaluated: 2023-03-23. Review status: criteria provided, single submitter. Criteria: ACMG Guidelines, 2015. Collection method: clinical testing. Allele origin: germline. Inheritance: Autosomal dominant inheritance. Observed: 1 variant allele, 1 heterozygote.
Comment: This study involves interpretation of variants in research participants for the purpose of population health screening. Participant phenotype was not available at the time of variant classification. Additional details can be found in publication PMID: 35346344, PMCID: PMC8962531

Color Diagnostics, LLC DBA Color Health
Classification: Likely benign for Hereditary cancer-predisposing syndrome. Last evaluated: 2018-05-01. Review status: criteria provided, single submitter. Criteria: ACMG Guidelines, 2015. Collection method: clinical testing. Allele origin: germline.

Ambry Genetics
Classification: Likely benign for Hereditary cancer-predisposing syndrome. Last evaluated: 2017-04-03. Review status: criteria provided, single submitter. Criteria: Ambry Variant Classification Scheme 2023. Collection method: clinical testing. Allele origin: germline.

Brotman Baty Institute, University of Washington
No classification provided (evidence only). Condition: Breast-ovarian cancer, familial 1. Review status: no classification provided. Collection method: in vitro. Allele origin: not applicable. Functional consequence: functionally_normal. Not counted in ClinVar's aggregate classification.
ClinVar note: "not provided" was previously submitted as the classification for the variant. However, the classification appeared to be based only on an observation of functional data so it was converted to no classification on 2025-07-30.